The following is an entry in ClinVar:

NM_005219.5(DIAPH1):c.3430A>G (p.Met1144Val)

Gene: DIAPH1 (diaphanous related formin 1; minus strand). Cytogenetic location: 5q31.3.
Variant type: single nucleotide variant.
Coding change: c.3430A>G on transcript NM_005219.5 (MANE Select); coding-DNA position 3430, A replaced by G.
Protein change: p.Met1144Val; replaces methionine 1144 with valine.
Molecular consequence: missense variant.
Genome position (GRCh38, 1-based): chr5:141,526,305, T>C on the plus strand (A>G on the coding strand, the complement: DIAPH1 is on the minus strand). VCF-style: chr5-141526305-T-C. GRCh37 (hg19) VCF-style: chr5-140905872-T-C.
Other names: c.3403A>G, p.Met1135Val (NM_001079812.3); c.3430A>G, p.Met1144Val (NM_001314007.2); short protein forms M1144V, M1135V.
Identifiers: ClinVar variation 1436226 (VCV001436226.6), dbSNP rs2154594954, ClinGen allele CA361578120.

ClinVar aggregate classification (germline): Uncertain significance (1 of 4 stars; one submission).

Conditions:
Autosomal dominant nonsyndromic hearing loss 1. Also called: KONIGSMARK SYNDROME; DEAFNESS, AUTOSOMAL DOMINANT 1, WITH OR WITHOUT THROMBOCYTOPENIA. Identifiers: Orphanet 90635, MedGen C1852282, MONDO:0007424, OMIM 124900.
Progressive microcephaly-seizures-cortical blindness-developmental delay syndrome. Also called: Seizures, cortical blindness, and microcephaly syndrome. Identifiers: Orphanet 477814, MedGen C5567650, MONDO:0014714, OMIM 616632.

Submission:

Labcorp Genetics (formerly Invitae), Labcorp
Classification: Uncertain significance for Progressive microcephaly-seizures-cortical blindness-developmental delay syndrome; Autosomal dominant nonsyndromic hearing loss 1. Last evaluated: 2026-01-15. Review status: criteria provided, single submitter. Criteria: Invitae Variant Classification Sherloc (09022015). Collection method: clinical testing. Allele origin: germline.
Comment: This sequence change replaces methionine, which is neutral and non-polar, with valine, which is neutral and non-polar, at codon 1144 of the DIAPH1 protein (p.Met1144Val). This variant is not present in population databases (gnomAD no frequency). This variant has not been reported in the literature in individuals affected with DIAPH1-related conditions. ClinVar contains an entry for this variant (Variation ID: 1436226). An algorithm developed to predict the effect of missense changes on protein structure and function (PolyPhen-2) suggests that this variant is likely to be disruptive. In summary, the available evidence is currently insufficient to determine the role of this variant in disease. Therefore, it has been classified as a Variant of Uncertain Significance.